The following is an entry in ClinVar:

NM_002485.5(NBN):c.2200G>A (p.Ala734Thr)

Gene: NBN (nibrin; minus strand). Cytogenetic location: 8q21.3.
Variant type: single nucleotide variant.
Coding change: c.2200G>A on transcript NM_002485.5 (MANE Select); coding-DNA position 2200, G replaced by A.
Protein change: p.Ala734Thr; replaces alanine 734 with threonine.
Molecular consequence: missense variant.
Genome position (GRCh38, 1-based): chr8:89,937,060, C>T on the plus strand (G>A on the coding strand, the complement: NBN is on the minus strand). VCF-style: chr8-89937060-C-T. GRCh37 (hg19) VCF-style: chr8-90949288-C-T.
Other names: c.1954G>A, p.Ala652Thr (NM_001024688.3, NM_001440379.1, NM_001440380.1); short protein forms A734T, A652T.
Identifiers: ClinVar variation 4117279 (VCV004117279.1).
Genomic context (GRCh38, chr8:89,937,060, plus strand): 5'-CATGAGAAAGGTGAATCAAACTTTACCTAAAAAGATCATCAGCAAGAGACTCTTCTTTTG[C>T]ATGTTGATTTTGTACCTGTCAAAATTAACATAATTTCAAACATTTGCTCAGTGGTGAATA-3'
Protein context (NP_002476.2, residues 724-744): RQEMEVQNQH[Ala734Thr]KEESLADDLF

ClinVar aggregate classification (germline): Uncertain significance (1 of 4 stars; one submission).

Conditions:
Hereditary cancer-predisposing syndrome. Also called: Hereditary neoplastic syndrome; Neoplastic Syndromes, Hereditary; Tumor predisposition; Hereditary Cancer Syndrome. Identifiers: Orphanet 140162, MedGen C0027672, MeSH D009386, MONDO:0015356.

Submission:

Ambry Genetics
Classification: Uncertain significance for Hereditary cancer-predisposing syndrome. Last evaluated: 2025-08-31. Review status: criteria provided, single submitter. Criteria: Ambry Variant Classification Scheme 2023. Collection method: clinical testing. Allele origin: germline.
Comment: The p.A734T variant (also known as c.2200G>A), located in coding exon 15 of the NBN gene, results from a G to A substitution at nucleotide position 2200. The alanine at codon 734 is replaced by threonine, an amino acid with similar properties. This amino acid position is conserved. In addition, this alteration is predicted to be tolerated by in silico analysis. Based on the available evidence, the clinical significance of this variant remains unclear.